The following is an entry in ClinVar:

ClinVar aggregate classification (germline): Uncertain significance (1 of 4 stars; one submission).

Conditions:
Nephronophthisis 14 (NPHP14). Identifiers: Orphanet 2318, MedGen C3539071, MONDO:0013916, OMIM 614844.

Allele frequency attached by ClinVar (database versions not stated): ExAC 0.00001.
gnomAD v4.1: 12 of 1,614,056 alleles (0.00074%); highest among the groups gnomAD compares: Admixed American, 0.0067%; no homozygotes.

Submission:

Labcorp Genetics (formerly Invitae), Labcorp
Classification: Uncertain significance for Nephronophthisis 14. Last evaluated: 2022-09-07. Review status: criteria provided, single submitter. Criteria: Invitae Variant Classification Sherloc (09022015). Collection method: clinical testing. Allele origin: germline.
Comment: This sequence change replaces alanine, which is neutral and non-polar, with proline, which is neutral and non-polar, at codon 624 of the ZNF423 protein (p.Ala624Pro). This variant is present in population databases (rs369619436, gnomAD 0.003%). This variant has not been reported in the literature in individuals affected with ZNF423-related conditions. ClinVar contains an entry for this variant (Variation ID: 650129). Algorithms developed to predict the effect of missense changes on protein structure and function (SIFT, PolyPhen-2, Align-GVGD) all suggest that this variant is likely to be tolerated. In summary, the available evidence is currently insufficient to determine the role of this variant in disease. Therefore, it has been classified as a Variant of Uncertain Significance.

NM_001379286.1(ZNF423):c.1894G>C (p.Ala632Pro)

Gene: ZNF423 (zinc finger protein 423; minus strand). Cytogenetic location: 16q12.1.
Variant type: single nucleotide variant.
Coding change: c.1894G>C on transcript NM_001379286.1 (MANE Select); coding-DNA position 1894, G replaced by C.
Protein change: p.Ala632Pro; replaces alanine 632 with proline.
Molecular consequence: missense variant.
Genome position (GRCh38, 1-based): chr16:49,637,282, C>G on the plus strand (G>C on the coding strand, the complement: ZNF423 is on the minus strand). VCF-style: chr16-49637282-C-G. GRCh37 (hg19) VCF-style: chr16-49671193-C-G.
Other names: c.1690G>C, p.Ala564Pro (NM_001271620.2); c.1519G>C, p.Ala507Pro (NM_001330533.2); c.1870G>C, p.Ala624Pro (NM_015069.5); short protein forms A507P, A564P, A624P, A632P.
Identifiers: ClinVar variation 650129 (VCV000650129.4), dbSNP rs369619436, ClinGen allele CA8046604.